The following is an entry in ClinVar:

NM_003722.5(TP63):c.1270A>C (p.Met424Leu)

Gene: TP63 (tumor protein p63; plus strand). Cytogenetic location: 3q28.
Variant type: single nucleotide variant.
Coding change: c.1270A>C on transcript NM_003722.5 (MANE Select); coding-DNA position 1270, A replaced by C.
Protein change: p.Met424Leu; replaces methionine 424 with leucine.
Molecular consequence: missense variant.
Genome position (GRCh38, 1-based): chr3:189,872,916, A>C. VCF-style: chr3-189872916-A-C. GRCh37 (hg19) VCF-style: chr3-189590705-A-C.
Other names: c.1270A>C, p.Met424Leu (NM_001114978.2, NM_001114979.2, NM_001329144.2); c.988A>C, p.Met330Leu (NM_001114980.2, NM_001114981.2, NM_001114982.2 and 1 more transcripts); c.733A>C, p.Met245Leu (NM_001329146.2); c.1258A>C, p.Met420Leu (NM_001329148.2); c.976A>C, p.Met326Leu (NM_001329149.2); c.721A>C, p.Met241Leu (NM_001329150.2); c.1264A>C, p.Met422Leu (NM_001329964.2); short protein forms M241L, M326L, M330L, M245L, M420L, M422L, M424L.
Identifiers: ClinVar variation 2959589 (VCV002959589.2), dbSNP rs2474635203, ClinGen allele CA355755911.
Genomic context (GRCh38, chr3:189,872,916, plus strand): 5'-TAGGTGAGGGGCCGTGAGACTTATGAAATGCTGTTGAAGATCAAAGAGTCCCTGGAACTC[A>C]TGCAGTACCTTCCTCAGCACACAATTGAAACGTACAGGCAACAGCAACAGCAGCAGCACC-3'
Protein context (NP_003713.3, residues 414-434): LLKIKESLEL[Met424Leu]QYLPQHTIET

ClinVar aggregate classification (germline): Uncertain significance (1 of 4 stars; one submission).

Conditions:
TP63-Related Spectrum Disorders.

Allele frequency attached by ClinVar (database versions not stated): gnomAD exomes below 0.00001.
gnomAD v4.1: 1 of 1,614,182 alleles (0.000062%); highest among the groups gnomAD compares: Non-Finnish European, 0.000085%; no homozygotes.

Submission:

Labcorp Genetics (formerly Invitae), Labcorp
Classification: Uncertain significance. Last evaluated: 2024-11-05. Review status: criteria provided, single submitter. Criteria: Invitae Variant Classification Sherloc (09022015). Collection method: clinical testing. Allele origin: germline.
Comment: This sequence change replaces methionine, which is neutral and non-polar, with leucine, which is neutral and non-polar, at codon 424 of the TP63 protein (p.Met424Leu). This variant is not present in population databases (gnomAD no frequency). This variant has not been reported in the literature in individuals affected with TP63-related conditions. ClinVar contains an entry for this variant (Variation ID: 2959589). Invitae Evidence Modeling of protein sequence and biophysical properties (such as structural, functional, and spatial information, amino acid conservation, physicochemical variation, residue mobility, and thermodynamic stability) indicates that this missense variant is not expected to disrupt TP63 protein function with a negative predictive value of 80%. In summary, the available evidence is currently insufficient to determine the role of this variant in disease. Therefore, it has been classified as a Variant of Uncertain Significance.